The following is an entry in ClinVar:

ClinVar aggregate classification (germline): Benign/Likely benign. Review status: criteria provided, multiple submitters, no conflicts (2 of 4 stars). 13 submissions from 13 submitters: Benign (5); Likely benign (4). 4 of the submissions do not count toward it. Last evaluated 2026-02-03.

Conditions:
TNNI3-related disorder. Also called: TNNI3-related condition; TNNI3-related disorders.
Cardiovascular phenotype. Identifiers: MedGen CN230736.
Cardiomyopathy (CMYO). Also called: Cardiomyopathies. Identifiers: Orphanet 167848, MedGen C0878544, MONDO:0004994, HP:0001638. Inheritance: Various modes of inheritance.
Hypertrophic cardiomyopathy. Also called: HYPERTROPHIC MYOCARDIOPATHY. Identifiers: Orphanet 217569, MedGen C0007194, MeSH D002312, MONDO:0005045, HP:0001639.

Allele frequency attached by ClinVar (database versions not stated): gnomAD exomes 0.00016; ExAC 0.00027; 1000 Genomes Project 0.00040; 1000 Genomes Project 30x 0.00062; gnomAD 0.00065 and 0.00069; TOPMed 0.00066; ESP Exome Variant Server 0.00081.

Submissions (13):

Labcorp Genetics (formerly Invitae), Labcorp
Classification: Benign for Hypertrophic cardiomyopathy. Last evaluated: 2026-02-03. Review status: criteria provided, single submitter. Criteria: Invitae Variant Classification Sherloc (09022015). Collection method: clinical testing. Allele origin: germline.

CeGaT Center for Human Genetics Tuebingen
Classification: Likely benign. Last evaluated: 2025-10-01. Review status: criteria provided, single submitter. Criteria: CeGaT Center For Human Genetics Tuebingen Variant Classification Criteria Version 2. Collection method: clinical testing. Allele origin: germline. Affected: yes. Observed: 1 variant allele.
Comment: TNNI3: BP4, BS1

Women's Health and Genetics/Laboratory Corporation of America, LabCorp
Classification: Benign. Last evaluated: 2025-04-29. Review status: criteria provided, single submitter. Criteria: LabCorp Variant Classification Summary - May 2015. Collection method: clinical testing. Allele origin: germline.
Comment: Variant summary: TNNI3 c.25-4C>T alters a nucleotide located at a position not widely known to affect splicing. Consensus agreement among computation tools predict no significant impact on normal splicing. However, these predictions have yet to be confirmed by functional studies. The variant allele was found at a frequency of 0.00016 in 219416 control chromosomes, predominantly at a frequency of 0.0027 within the African or African-American subpopulation in the gnomAD database. The observed variant frequency within African or African-American control individuals in the gnomAD database is approximately 22 fold of the estimated maximal expected allele frequency for a pathogenic variant in TNNI3 causing Hypertrophic Cardiomyopathy phenotype (0.00013). To our knowledge, no occurrence of c.25-4C>T in individuals affected with Hypertrophic Cardiomyopathy and no experimental evidence demonstrating its impact on protein function have been reported. ClinVar contains an entry for this variant (Variation ID: 43370). Based on the evidence outlined above, the variant was classified as benign.

Ambry Genetics
Classification: Likely benign for Cardiovascular phenotype. Last evaluated: 2019-03-04. Review status: criteria provided, single submitter. Criteria: Ambry Variant Classification Scheme 2023. Collection method: clinical testing. Allele origin: germline.

Color Diagnostics, LLC DBA Color Health
Classification: Benign for Cardiomyopathy. Last evaluated: 2018-12-13. Review status: criteria provided, single submitter. Criteria: ACMG Guidelines, 2015. Collection method: clinical testing. Allele origin: germline.

CHEO Genetics Diagnostic Laboratory, Children's Hospital of Eastern Ontario
Classification: Benign for Cardiomyopathy. Last evaluated: 2018-04-30. Review status: criteria provided, single submitter. Criteria: ACMG Guidelines, 2015. Collection method: clinical testing. Allele origin: germline.

GeneDx
Classification: Benign. Last evaluated: 2015-05-12. Review status: criteria provided, single submitter. Criteria: GeneDx Variant Classification (06012015). Collection method: clinical testing. Allele origin: germline. Affected: yes.
Comment: This variant is considered likely benign or benign based on one or more of the following criteria: it is a conservative change, it occurs at a poorly conserved position in the protein, it is predicted to be benign by multiple in silico algorithms, and/or has population frequency not consistent with disease.

Laboratory for Molecular Medicine, Mass General Brigham Personalized Medicine
Classification: Likely benign. Last evaluated: 2013-12-26. Review status: criteria provided, single submitter. Criteria: LMM Criteria. Collection method: clinical testing. Allele origin: germline. Observed: 3 variant alleles.
Comment: 25-4C>T in intron 2 of TNNI3: This variant is not expected to have clinical sign ificance because it does not affect the splice consensus sequence. It has been i dentified in 0.25% (10/4014) of African American chromosomes from a broad popula tion by the NHLBI Exome Sequencing Project 2 5-4C>T in intron 2 of TNNI3 (allele frequency = 0.25%; 10/4014)

Breakthrough Genomics
Classification: Likely benign. Review status: criteria provided, single submitter. Criteria: ACMG Guidelines, 2015. Collection method: not provided. Allele origin: germline. Inheritance: Autosomal recessive inheritance. Affected: yes.

PreventionGenetics, part of Exact Sciences
Classification: Likely benign for TNNI3-related condition. Last evaluated: 2019-12-12. Review status: no assertion criteria provided. Collection method: clinical testing. Allele origin: germline. Not counted in ClinVar's aggregate classification.
Comment: This variant is classified as likely benign based on ACMG/AMP sequence variant interpretation guidelines (Richards et al. 2015 PMID: 25741868, with internal and published modifications).

Clinical Genetics DNA and cytogenetics Diagnostics Lab, Erasmus MC, Erasmus Medical Center
Classification: Likely benign. Review status: no assertion criteria provided. Collection method: clinical testing. Allele origin: germline. Affected: yes. Study: VKGL Data-share Consensus. Not counted in ClinVar's aggregate classification.

Clinical Genetics, Academic Medical Center
Classification: Benign. Review status: no assertion criteria provided. Collection method: clinical testing. Allele origin: germline. Affected: yes. Study: VKGL Data-share Consensus. Not counted in ClinVar's aggregate classification.

Genome Diagnostics Laboratory, University Medical Center Utrecht
Classification: Likely benign. Review status: no assertion criteria provided. Collection method: clinical testing. Allele origin: germline. Affected: yes. Study: VKGL Data-share Consensus. Not counted in ClinVar's aggregate classification.

NM_000363.5(TNNI3):c.25-4C>T

Gene: TNNI3 (troponin I3, cardiac type; minus strand). Cytogenetic location: 19q13.42.
Variant type: single nucleotide variant.
Coding change: c.25-4C>T on transcript NM_000363.5 (MANE Select); 4 bases into the intron before coding-DNA position 25, C replaced by T.
Molecular consequence: intron variant.
Genome position (GRCh38, 1-based): chr19:55,157,137, G>A on the plus strand (C>T on the coding strand, the complement: TNNI3 is on the minus strand). VCF-style: chr19-55157137-G-A. GRCh37 (hg19) VCF-style: chr19-55668505-G-A.
Identifiers: ClinVar variation 43370 (VCV000043370.38), dbSNP rs202086705, ClinGen allele CA021425.